The following is an entry in ClinVar:

ClinVar aggregate classification (germline): Likely benign. Review status: criteria provided, single submitter (1 of 4 stars). 2 submissions from 2 submitters: Likely benign (1). 1 of the submissions does not count toward it. Last evaluated 2023-08-27.

Conditions:
MRAP2-related disorder. Also called: MRAP2-related condition.

Allele frequency attached by ClinVar (database versions not stated): gnomAD exomes 0.00003; ExAC 0.00012; gnomAD 0.00024; TOPMed 0.00028; ESP Exome Variant Server 0.00038; 1000 Genomes Project 0.00040; 1000 Genomes Project 30x 0.00062.
gnomAD v4.1: 88 of 1,613,670 alleles (0.0055%); highest among the groups gnomAD compares: African/African-American, 0.1%; no homozygotes.

Submissions (2):

Labcorp Genetics (formerly Invitae), Labcorp
Classification: Likely benign. Last evaluated: 2023-08-27. Review status: criteria provided, single submitter. Criteria: Invitae Variant Classification Sherloc (09022015). Collection method: clinical testing. Allele origin: germline.

PreventionGenetics, part of Exact Sciences
Classification: Likely benign for MRAP2-related condition. Last evaluated: 2021-12-20. Review status: no assertion criteria provided. Collection method: clinical testing. Allele origin: germline. Not counted in ClinVar's aggregate classification.
Comment: This variant is classified as likely benign based on ACMG/AMP sequence variant interpretation guidelines (Richards et al. 2015 PMID: 25741868, with internal and published modifications).

NM_138409.4(MRAP2):c.36C>A (p.Ser12=)

Gene: MRAP2 (melanocortin 2 receptor accessory protein 2; plus strand). Cytogenetic location: 6q14.2.
Variant type: single nucleotide variant.
Coding change: c.36C>A on transcript NM_138409.4 (MANE Select); coding-DNA position 36, C replaced by A.
Protein change: p.Ser12=; no amino-acid change (serine 12 retained).
Molecular consequence: synonymous variant. On other transcripts: 5 prime UTR variant (2).
Genome position (GRCh38, 1-based): chr6:84,055,354, C>A. VCF-style: chr6-84055354-C-A. GRCh37 (hg19) VCF-style: chr6-84765073-C-A.
Other names: c.36C>A (NM_138409.3); c.-123C>A (NM_001346541.2); c.36C>A, p.Ser12= (NM_001346542.2, NM_001346544.2); c.-224C>A (NM_001346543.2).
Identifiers: ClinVar variation 2887589 (VCV002887589.5), dbSNP rs116808318, ClinGen allele CA3909539.
Genomic context (GRCh38, chr6:84,055,354, plus strand): 5'-CTTTCTCCATTTGTGCAGGTCGGAGATGTCCGCCCAGAGGTTAATTTCTAACAGAACCTC[C>A]CAGCAATCGGCATCTAATTCTGATTACACCTGGGAATATGAATATTATGAGATTGGACCA-3'
Protein context (NP_612418.2, residues 2-22): SAQRLISNRT[Ser12=]QQSASNSDYT